The following is an entry in ClinVar:

ClinVar aggregate classification (germline): Likely benign (0 of 4 stars; one submission).

Conditions:
DYRK1B-related disorder. Also called: DYRK1B-related condition.

gnomAD v4.1: 24 of 1,546,960 alleles (0.0016%); highest among the groups gnomAD compares: Non-Finnish European, 0.002%; no homozygotes.

Submission:

PreventionGenetics, part of Exact Sciences
Classification: Likely benign for DYRK1B-related condition. Last evaluated: 2024-03-07. Review status: no assertion criteria provided. Collection method: clinical testing. Allele origin: germline.
Comment: This variant is classified as likely benign based on ACMG/AMP sequence variant interpretation guidelines (Richards et al. 2015 PMID: 25741868, with internal and published modifications).

NM_004714.3(DYRK1B):c.*9C>T

Gene: DYRK1B (dual specificity tyrosine phosphorylation regulated kinase 1B; minus strand). Cytogenetic location: 19q13.2.
Variant type: single nucleotide variant.
Coding change: c.*9C>T on transcript NM_004714.3 (MANE Select); 9 bases downstream of the stop codon, C replaced by T.
Molecular consequence: 3 prime UTR variant.
Genome position (GRCh38, 1-based): chr19:39,825,706, G>A on the plus strand (C>T on the coding strand, the complement: DYRK1B is on the minus strand). VCF-style: chr19-39825706-G-A. GRCh37 (hg19) VCF-style: chr19-40316346-G-A.
Other names: c.*9C>T (NM_006483.3, NM_006484.3).
Identifiers: ClinVar variation 3358288 (VCV003358288.1).